The following is an entry in ClinVar:

NM_002303.6(LEPR):c.2196A>G (p.Ser732=)

Genes: LEPR (leptin receptor; plus strand), LOC122094844 (Sharpr-MPRA regulatory region 5730; plus strand). Cytogenetic location: 1p31.3.
Variant type: single nucleotide variant.
Coding change: c.2196A>G on transcript NM_002303.6 (MANE Select); coding-DNA position 2196, A replaced by G.
Protein change: p.Ser732=; no amino-acid change (serine 732 retained).
Molecular consequence: synonymous variant.
Genome position (GRCh38, 1-based): chr1:65,616,208, A>G. VCF-style: chr1-65616208-A-G. GRCh37 (hg19) VCF-style: chr1-66081891-A-G.
Other names: c.2196A>G, p.Ser732= (NM_001003679.3, NM_001003680.3, NM_001198687.2 and 2 more transcripts).
Identifiers: ClinVar variation 4990628 (VCV004990628.1).

ClinVar aggregate classification (germline): Likely benign (1 of 4 stars; one submission).

Conditions:
LEPR-related disorder. Also called: LEPR-related condition; LEPR-related disorders.

gnomAD v4.1: 6 of 1,613,828 alleles (0.00037%); highest among the groups gnomAD compares: Middle Eastern, 0.016%; no homozygotes.

Submission:

PreventionGenetics, part of Exact Sciences
Classification: Likely benign for LEPR-related condition. Last evaluated: 2025-06-23. Review status: criteria provided, single submitter. Criteria: ACMG Guidelines, 2015. Collection method: clinical testing. Allele origin: germline.
Comment: This variant is classified as likely benign based on ACMG/AMP sequence variant interpretation guidelines (Richards et al. 2015 PMID: 25741868, with internal and published modifications).